The following is an entry in ClinVar:

ClinVar aggregate classification (germline): Pathogenic. Review status: criteria provided, multiple submitters, no conflicts (2 of 4 stars). 2 submissions from 2 submitters: Pathogenic (2). Last evaluated 2024-08-22.

Conditions:
Arrhythmogenic cardiomyopathy with wooly hair and keratoderma. Also called: PALMOPLANTAR KERATODERMA WITH LEFT VENTRICULAR CARDIOMYOPATHY AND WOOLLY HAIR; Carvajal syndrome; Dilated cardiomyopathy with woolly hair and keratoderma; Arrhythmogenic cardiomyopathy with woolly hair and keratoderma. Identifiers: Orphanet 65282, MedGen C1854063, MONDO:0011581, OMIM 605676.
Arrhythmogenic right ventricular dysplasia 8 (ARVD8). Also called: Arrhythmogenic Right Ventricular Dysplasia/Cardiomyopathy 8; ARRHYTHMOGENIC RIGHT VENTRICULAR DYSPLASIA, FAMILIAL, 8; ARRHYTHMOGENIC RIGHT VENTRICULAR CARDIOMYOPATHY 8. Identifiers: MedGen C1843896, MONDO:0011831, OMIM 607450.

Submissions (2):

GeneDx
Classification: Pathogenic. Last evaluated: 2024-08-22. Review status: criteria provided, single submitter. Criteria: GeneDx Variant Classification Process June 2021. Collection method: clinical testing. Allele origin: germline. Affected: yes.
Comment: Frameshift variant predicted to result in protein truncation in a gene for which loss-of-function is a known mechanism of disease; Not observed at significant frequency in large population cohorts (gnomAD); Has not been previously published as pathogenic or benign to our knowledge

Labcorp Genetics (formerly Invitae), Labcorp
Classification: Pathogenic for Arrhythmogenic cardiomyopathy with wooly hair and keratoderma; Arrhythmogenic right ventricular dysplasia 8. Last evaluated: 2023-07-22. Review status: criteria provided, single submitter. Criteria: Invitae Variant Classification Sherloc (09022015). Collection method: clinical testing. Allele origin: germline.
Comment: For these reasons, this variant has been classified as Pathogenic. This variant disrupts a region of the DSP protein in which other variant(s) (p.Glu2728Glyfs*11) have been determined to be pathogenic (Invitae). This suggests that this is a clinically significant region of the protein, and that variants that disrupt it are likely to be disease-causing. This variant has not been reported in the literature in individuals affected with DSP-related conditions. This variant is not present in population databases (gnomAD no frequency). This sequence change creates a premature translational stop signal (p.Gln2672Profs*10) in the DSP gene. While this is not anticipated to result in nonsense mediated decay, it is expected to disrupt the last 200 amino acid(s) of the DSP protein.

NM_004415.4(DSP):c.8014dup (p.Gln2672fs)

Gene: DSP (desmoplakin; plus strand). Cytogenetic location: 6p24.3.
Variant type: Duplication.
Coding change: c.8014dup on transcript NM_004415.4 (MANE Select); coding-DNA position 8014, one base duplicated (C; older notation c.8014dupC).
Protein change: p.Gln2672fs; shifts the reading frame from glutamine 2672.
Molecular consequence: frameshift variant.
Genome position (GRCh38, 1-based): chr6:7,585,276, C duplicated. VCF-style (leftmost placement, unchanged base first): chr6-7585275-T-TC. GRCh37 (hg19) VCF-style: chr6-7585508-T-TC.
Other names: c.6217dup, p.Gln2073fs (NM_001008844.3); c.6685dup, p.Gln2229fs (NM_001319034.2); short protein forms Q2672fs, Q2073fs, Q2229fs.
Identifiers: ClinVar variation 2950198 (VCV002950198.3), dbSNP rs2533949081, ClinGen allele CA2740094265.